The following is an entry in ClinVar:

ClinVar aggregate classification (germline): Benign (3 of 4 stars; one submission).

Conditions:
Breast-ovarian cancer, familial, susceptibility to, 2 (BROVCA2). Also called: BRCA2 Hereditary Breast and Ovarian Cancer. Identifiers: Orphanet 145, MedGen C2675520, MONDO:0012933, OMIM 612555. Disease mechanism: loss of function.

Allele frequency attached by ClinVar (database versions not stated): 1000 Genomes Project 30x 0.17942; 1000 Genomes Project 0.17991; TOPMed 0.22641; gnomAD 0.23306 and 0.23783.
gnomAD v4.1: 35,455 of 152,120 alleles (23%); highest among the groups gnomAD compares: Non-Finnish European, 27%; 4,424 homozygotes.

Submission:

Evidence-based Network for the Interpretation of Germline Mutant Alleles (ENIGMA)
Classification: Benign for Breast-ovarian cancer, familial 2. Last evaluated: 2015-01-12. Review status: reviewed by expert panel. Criteria: ENIGMA BRCA1/2 Classification Criteria (2015). Collection method: curation. Allele origin: germline.
Comment: Class 1 not pathogenic based on frequency >1% in an outbred sampleset. Frequency 0.06294 (Asian), 0.2215 (African), 0.2836 (European), derived from 1000 genomes (2012-04-30).

NM_000059.4(BRCA2):c.8332-441G>A

Gene: BRCA2 (BRCA2 DNA repair associated; plus strand). Cytogenetic location: 13q13.1.
Variant type: single nucleotide variant.
Coding change: c.8332-441G>A on transcript NM_000059.4 (MANE Select); 441 bases into the intron before coding-DNA position 8332, G replaced by A.
Molecular consequence: intron variant.
Genome position (GRCh38, 1-based): chr13:32,369,961, G>A. VCF-style: chr13-32369961-G-A. GRCh37 (hg19) VCF-style: chr13-32944098-G-A.
Other names: IVS 18-441G>A.
Identifiers: ClinVar variation 209813 (VCV000209813.1), dbSNP rs11571742, ClinGen allele CA276781.